The following is an entry in ClinVar:

NM_000428.3(LTBP2):c.1686+3G>A

Gene: LTBP2 (latent transforming growth factor beta binding protein 2; minus strand). Cytogenetic location: 14q24.3.
Variant type: single nucleotide variant.
Coding change: c.1686+3G>A on transcript NM_000428.3 (MANE Select); 3 bases into the intron after coding-DNA position 1686, G replaced by A.
Molecular consequence: intron variant.
Genome position (GRCh38, 1-based): chr14:74,551,061, C>T on the plus strand (G>A on the coding strand, the complement: LTBP2 is on the minus strand). VCF-style: chr14-74551061-C-T. GRCh37 (hg19) VCF-style: chr14-75017764-C-T.
Identifiers: ClinVar variation 595867 (VCV000595867.15), dbSNP rs190814774, ClinGen allele CA7269811.

ClinVar aggregate classification (germline): Conflicting classifications of pathogenicity. Review status: criteria provided, conflicting classifications (1 of 4 stars). 8 submissions from 7 submitters: Uncertain significance (5); Likely benign (2). 1 of the submissions does not count toward it. Last evaluated 2026-01-28.

Conditions:
LTBP2-related disorder. Also called: LTBP2-related disorders; LTBP2-related condition.
Glaucoma 3, primary congenital, D. Identifiers: Orphanet 98976, MedGen C2751316, MONDO:0013122, OMIM 613086.
Glaucoma 3, primary infantile, B. Also called: Glaucoma primary congenita type 3B; GLAUCOMA, PRIMARY CONGENITAL, TYPE B; GLC3B; GLC3 type B; Primary congenital glaucoma type 3B. Identifiers: Orphanet 98976, MedGen C1832977, MONDO:0010968, OMIM 600975.
Weill-Marchesani syndrome 3 (WMS3). Also called: LTBP2-Related Weill-Marchesani Syndrome; Weill-Marchesani syndrome 3, recessive. Identifiers: Orphanet 3449, MedGen C3553785, MONDO:0013899, OMIM 614819.
Microspherophakia and/or megalocornea, with ectopia lentis and with or without secondary glaucoma (MSPKA). Identifiers: Orphanet 238763, MedGen C3538951, MONDO:0009633, OMIM 251750.
Weill-Marchesani syndrome. Also called: WM Syndrome; Mesodermal dysmorphodystrophy congenital. Identifiers: Orphanet 3449, MedGen C0265313, MONDO:0018096.

Allele frequency attached by ClinVar (database versions not stated): gnomAD exomes 0.00011 and 0.00019; ExAC 0.00028; gnomAD 0.00048 and 0.00049; 1000 Genomes Project 0.00060; TOPMed 0.00073; 1000 Genomes Project 30x 0.00078; ESP Exome Variant Server 0.00085.
gnomAD v4.1: 230 of 1,613,668 alleles (0.014%); highest among the groups gnomAD compares: African/African-American, 0.18%; no homozygotes.

Submissions (8):

Labcorp Genetics (formerly Invitae), Labcorp
Classification: Uncertain significance. Last evaluated: 2026-01-28. Review status: criteria provided, single submitter. Criteria: Invitae Variant Classification Sherloc (09022015). Collection method: clinical testing. Allele origin: germline.
Comment: This sequence change falls in intron 7 of the LTBP2 gene. It does not directly change the encoded amino acid sequence of the LTBP2 protein. It affects a nucleotide within the consensus splice site. This variant is present in population databases (rs190814774, gnomAD 0.1%). This variant has not been reported in the literature in individuals affected with LTBP2-related conditions. ClinVar contains an entry for this variant (Variation ID: 595867). Variants that disrupt the consensus splice site are a relatively common cause of aberrant splicing (PMID: 17576681, 9536098). Algorithms developed to predict the effect of sequence changes on RNA splicing suggest that this variant is not likely to affect RNA splicing. In summary, the available evidence is currently insufficient to determine the role of this variant in disease. Therefore, it has been classified as a Variant of Uncertain Significance.

Blueprint Genetics
Classification: Likely benign. Last evaluated: 2024-10-23. Review status: criteria provided, single submitter. Criteria: ACMG Guidelines, 2015. Collection method: clinical testing. Allele origin: germline.

3billion
Classification: Likely benign for Weill-Marchesani syndrome 3; Glaucoma 3, primary congenital, D; Microspherophakia and/or megalocornea, with ectopia lentis and with or without secondary glaucoma. Last evaluated: 2024-09-20. Review status: criteria provided, single submitter. Criteria: ACMG Guidelines, 2015. Collection method: clinical testing. Allele origin: germline. Affected: no.
Comment: The homozygous variant was found in patients diagnosed with another variant in a different gene, with no symptoms related to the gene containing the homozygous variant.

Fulgent Genetics
Classification: Uncertain significance for Microspherophakia and/or megalocornea, with ectopia lentis and with or without secondary glaucoma; Glaucoma 3, primary infantile, B; Glaucoma 3, primary congenital, D; Weill-Marchesani syndrome 3. Last evaluated: 2021-10-01. Review status: criteria provided, single submitter. Criteria: ACMG Guidelines, 2015. Collection method: clinical testing. Allele origin: unknown.

Eurofins Ntd Llc (ga)
Classification: Uncertain significance. Last evaluated: 2018-02-08. Review status: criteria provided, single submitter. Criteria: EGL Classification Definitions 2015. Collection method: clinical testing. Allele origin: germline. Observed: 1 variant allele, 1 heterozygote.

Illumina Laboratory Services, Illumina
Classification: Uncertain significance for Glaucoma 3, primary congenital, D. Last evaluated: 2017-04-27. Review status: criteria provided, single submitter. Criteria: ICSL Variant Classification Criteria 13 December 2019. Collection method: clinical testing. Allele origin: germline.

Illumina Laboratory Services, Illumina
Classification: Uncertain significance for Weill-Marchesani syndrome. Last evaluated: 2017-04-27. Review status: criteria provided, single submitter. Criteria: ICSL Variant Classification Criteria 13 December 2019. Collection method: clinical testing. Allele origin: germline.

PreventionGenetics, part of Exact Sciences
Classification: Likely benign for LTBP2-related condition. Last evaluated: 2024-03-11. Review status: no assertion criteria provided. Collection method: clinical testing. Allele origin: germline. Not counted in ClinVar's aggregate classification.
Comment: This variant is classified as likely benign based on ACMG/AMP sequence variant interpretation guidelines (Richards et al. 2015 PMID: 25741868, with internal and published modifications).

Literature cited by the submitters: PubMed 17576681 (cited by Labcorp Genetics (formerly Invitae), Labcorp); PubMed 9536098 (cited by Labcorp Genetics (formerly Invitae), Labcorp).